The following is an entry in ClinVar:

ClinVar aggregate classification (germline): Uncertain significance. Review status: criteria provided, multiple submitters, no conflicts (2 of 4 stars). 2 submissions from 2 submitters: Uncertain significance (2). Last evaluated 2026-01-26.

Conditions:
Diabetes insipidus, nephrogenic, autosomal (NDI2). Also called: Nephrogenic Diabetes Insipidus, Type II; Diabetes insipidus, nephrogenic, 2, autosomal. Identifiers: Orphanet 223, MedGen C1563706, MONDO:0007451, OMIM 125800.

gnomAD v4.1: 64 of 1,613,260 alleles (0.004%); highest among the groups gnomAD compares: South Asian, 0.02%; no homozygotes.

Submissions (2):

GeneDx
Classification: Uncertain significance. Last evaluated: 2026-01-26. Review status: criteria provided, single submitter. Criteria: GeneDx Variant Classification Process June 2021. Collection method: clinical testing. Allele origin: germline. Affected: yes.
Comment: In silico analysis supports that this missense variant has a deleterious effect on protein structure/function; Has not been previously published as pathogenic or benign to our knowledge

Fulgent Genetics
Classification: Uncertain significance for Diabetes insipidus, nephrogenic, autosomal. Last evaluated: 2024-05-13. Review status: criteria provided, single submitter. Criteria: ACMG Guidelines, 2015. Collection method: clinical testing. Allele origin: germline.

NM_000486.6(AQP2):c.43G>A (p.Ala15Thr)

Gene: AQP2 (aquaporin 2; plus strand). Cytogenetic location: 12q13.12.
Variant type: single nucleotide variant.
Coding change: c.43G>A on transcript NM_000486.6 (MANE Select); coding-DNA position 43, G replaced by A.
Protein change: p.Ala15Thr; replaces alanine 15 with threonine.
Molecular consequence: missense variant.
Genome position (GRCh38, 1-based): chr12:49,950,873, G>A. VCF-style: chr12-49950873-G-A. GRCh37 (hg19) VCF-style: chr12-50344656-G-A.
Other names: short protein forms A15T.
Identifiers: ClinVar variation 3372833 (VCV003372833.3).
Genomic context (GRCh38, chr12:49,950,873, plus strand): 5'-CCCGCAGGGCTCTGCAGCATGTGGGAGCTCCGCTCCATAGCCTTCTCCAGGGCTGTGTTC[G>A]CAGAGTTCCTGGCCACACTCCTCTTCGTCTTCTTTGGCCTCGGCTCTGCCCTCAACTGGC-3'
Protein context (NP_000477.1, residues 5-25): RSIAFSRAVF[Ala15Thr]EFLATLLFVF